The following is an entry in ClinVar:

NM_138694.4(PKHD1):c.4274T>G (p.Leu1425Arg)

Gene: PKHD1 (PKHD1 ciliary IPT domain containing fibrocystin/polyductin; minus strand). Cytogenetic location: 6p12.2.
Variant type: single nucleotide variant.
Coding change: c.4274T>G on transcript NM_138694.4 (MANE Select); coding-DNA position 4274, T replaced by G.
Protein change: p.Leu1425Arg; replaces leucine 1425 with arginine.
Molecular consequence: missense variant.
Genome position (GRCh38, 1-based): chr6:52,025,536, A>C on the plus strand (T>G on the coding strand, the complement: PKHD1 is on the minus strand). VCF-style: chr6-52025536-A-C. GRCh37 (hg19) VCF-style: chr6-51890334-A-C.
Other names: c.4274T>G, p.Leu1425Arg (NM_170724.3); short protein forms L1425R.
Identifiers: ClinVar variation 2677824 (VCV002677824.3), dbSNP rs2532718291, ClinGen allele CA364434406.

ClinVar aggregate classification (germline): Likely pathogenic. Review status: criteria provided, multiple submitters, no conflicts (2 of 4 stars). 2 submissions from 2 submitters: Likely pathogenic (2). Last evaluated 2023-03-30.

Conditions:
Polycystic kidney disease 4 (PKD4). Also called: POLYCYSTIC KIDNEY AND HEPATIC DISEASE 1; POLYCYSTIC KIDNEY DISEASE, INFANTILE, TYPE I; PKD3; POLYCYSTIC KIDNEY DISEASE 4 WITH OR WITHOUT POLYCYSTIC LIVER DISEASE; Autosomal Recessive Polycystic Kidney Disease – PKHD1. Identifiers: MedGen C4540575, MONDO:0033004, OMIM 263200.

Submissions (2):

Baylor Genetics
Classification: Likely pathogenic for Polycystic kidney disease 4. Last evaluated: 2023-03-30. Review status: criteria provided, single submitter. Criteria: ACMG Guidelines, 2015. Collection method: clinical testing. Allele origin: unknown.

Juno Genomics, Hangzhou Juno Genomics, Inc
Classification: Likely pathogenic for Polycystic kidney disease 4. Review status: criteria provided, single submitter. Criteria: ACMG Guidelines, 2015. Collection method: clinical testing. Allele origin: germline.
Comment: Absent from controls (or at extremely low frequency if recessive) in Genome Aggregation Database.;Multiple lines of computational evidence support a deleterious effect on the gene or gene product.;For recessive disorders, detected in trans with a pathogenic variant.;Patient's phenotype or family history is highly specific for a disease with a single genetic etiology.